The following is an entry in ClinVar:

NM_004006.3(DMD):c.6781C>T (p.Pro2261Ser)

Gene: DMD (dystrophin; minus strand). Cytogenetic location: Xp21.1.
Variant type: single nucleotide variant.
Coding change: c.6781C>T on transcript NM_004006.3 (MANE Select); coding-DNA position 6781, C replaced by T.
Protein change: p.Pro2261Ser; replaces proline 2261 with serine.
Molecular consequence: missense variant. On other transcripts: 5 prime UTR variant (5).
Genome position (GRCh38, 1-based): chrX:31,929,727, G>A on the plus strand (C>T on the coding strand, the complement: DMD is on the minus strand). VCF-style: chrX-31929727-G-A. GRCh37 (hg19) VCF-style: chrX-31947844-G-A.
Other names: c.6757C>T, p.Pro2253Ser (NM_000109.4); c.6769C>T, p.Pro2257Ser (NM_004009.3); c.6412C>T, p.Pro2138Ser (NM_004010.3); c.2758C>T, p.Pro920Ser (NM_004011.4); c.2749C>T, p.Pro917Ser (NM_004012.4); c.-600C>T (NM_004013.3, NM_004020.4, NM_004021.3 and 2 more transcripts); short protein forms P2138S, P2253S, P2257S, P2261S, P917S, P920S.
Identifiers: ClinVar variation 2416750 (VCV002416750.6), dbSNP rs768606547, ClinGen allele CA10378403.

ClinVar aggregate classification (germline): Uncertain significance (1 of 4 stars; one submission).

Conditions:
Duchenne muscular dystrophy (DMD). Also called: Duchenne Muscular Dystrophy (DMD); MUSCULAR DYSTROPHY, PSEUDOHYPERTROPHIC PROGRESSIVE, DUCHENNE TYPE. Identifiers: Orphanet 98896, MedGen C0013264, MONDO:0010679, OMIM 310200.

Allele frequency attached by ClinVar (database versions not stated): ExAC 0.00001.

Submission:

Labcorp Genetics (formerly Invitae), Labcorp
Classification: Uncertain significance for Duchenne muscular dystrophy. Last evaluated: 2025-08-06. Review status: criteria provided, single submitter. Criteria: Invitae Variant Classification Sherloc (09022015). Collection method: clinical testing. Allele origin: germline.
Comment: This sequence change replaces proline, which is neutral and non-polar, with serine, which is neutral and polar, at codon 2261 of the DMD protein (p.Pro2261Ser). The frequency data for this variant in the population databases is considered unreliable, as metrics indicate poor data quality at this position in the gnomAD database. This variant has not been reported in the literature in individuals affected with DMD-related conditions. ClinVar contains an entry for this variant (Variation ID: 2416750). Invitae Evidence Modeling of protein sequence and biophysical properties (such as structural, functional, and spatial information, amino acid conservation, physicochemical variation, residue mobility, and thermodynamic stability) indicates that this missense variant is not expected to disrupt DMD protein function with a negative predictive value of 95%. In summary, the available evidence is currently insufficient to determine the role of this variant in disease. Therefore, it has been classified as a Variant of Uncertain Significance.